The following is an entry in ClinVar:

ClinVar aggregate classification (germline): Likely pathogenic. Review status: criteria provided, multiple submitters, no conflicts (2 of 4 stars). 3 submissions from 3 submitters: Likely pathogenic (3). Last evaluated 2026-01-07.

Conditions:
TNXB-related disorder. Also called: TNXB-related condition.
Vesicoureteral reflux 8 (VUR8). Identifiers: Orphanet 289365, MedGen C4014831, MONDO:0014422, OMIM 615963.
Ehlers-Danlos syndrome due to tenascin-X deficiency (EDSCLL1). Also called: EHLERS-DANLOS SYNDROME, CLASSIC-LIKE; Ehlers-Danlos syndrome, classic-like, 1; EDS DUE TO TNX DEFICIENCY; TNX DEFICIENCY; TNXB-Related Classical-Like Ehlers-Danlos Syndrome. Identifiers: Orphanet 230839, MedGen C1848029, MONDO:0011670, OMIM 606408.

gnomAD v4.1: 30 of 1,612,106 alleles (0.0019%); highest among the groups gnomAD compares: African/African-American, 0.0053%; no homozygotes.

Submissions (3):

PreventionGenetics, part of Exact Sciences
Classification: Likely pathogenic for TNXB-related condition. Last evaluated: 2026-01-07. Review status: criteria provided, single submitter. Criteria: ACMG Guidelines, 2015. Collection method: clinical testing. Allele origin: germline.
Comment: The TNXB c.9110-1G>A variant is predicted to disrupt the AG splice acceptor site and interfere with normal splicing. This variant has been reported in the compound heterozygous state with another frameshift variant in the TNXB gene in an individual with autosomal recessive classical-like Ehlers-Danlos syndrome (clEDS) (P4 in Supplementary Table 1, Green et al. 2020. PubMed ID: 32572181). This variant is reported in 0.012% of alleles in individuals of European (Finnish) descent in gnomAD. Variants that disrupt the consensus splice acceptor site in TNXB are expected to be pathogenic. This variant is interpreted as likely pathogenic for autosomal recessive classical-like Ehlers-Danlos syndrome (clEDS).

Fulgent Genetics
Classification: Likely pathogenic for Ehlers-Danlos syndrome due to tenascin-X deficiency; Vesicoureteral reflux 8. Last evaluated: 2024-05-14. Review status: criteria provided, single submitter. Criteria: ACMG Guidelines, 2015. Collection method: clinical testing. Allele origin: germline.

GeneDx
Classification: Likely pathogenic. Last evaluated: 2024-02-29. Review status: criteria provided, single submitter. Criteria: GeneDx Variant Classification Process June 2021. Collection method: clinical testing. Allele origin: germline. Affected: yes.
Comment: Canonical splice site variant predicted to result in an in-frame loss of the adjacent exon in a gene for which loss of function is a known mechanism of disease; Not observed at significant frequency in large population cohorts (gnomAD); This variant is associated with the following publications: (PMID: 32572181)

NM_001365276.2(TNXB):c.9116-1G>A

Gene: TNXB (tenascin XB; minus strand). Cytogenetic location: 6p21.33.
Variant type: single nucleotide variant.
Coding change: c.9116-1G>A on transcript NM_001365276.2 (MANE Select); the canonical splice acceptor site of the intron before coding-DNA position 9116, G replaced by A.
Molecular consequence: splice acceptor variant.
Genome position (GRCh38, 1-based): chr6:32,050,322, C>T on the plus strand (G>A on the coding strand, the complement: TNXB is on the minus strand). VCF-style: chr6-32050322-C-T. GRCh37 (hg19) VCF-style: chr6-32018099-C-T.
Other names: c.9110-1G>A (NM_019105.8, NM_019105.6); c.9857-1G>A (NM_001428335.1).
Identifiers: ClinVar variation 3343873 (VCV003343873.3).